The following is an entry in ClinVar:

NM_001927.4(DES):c.506T>A (p.Leu169His)

Gene: DES (desmin; plus strand). Cytogenetic location: 2q35.
Variant type: single nucleotide variant.
Coding change: c.506T>A on transcript NM_001927.4 (MANE Select); coding-DNA position 506, T replaced by A.
Protein change: p.Leu169His; replaces leucine 169 with histidine.
Molecular consequence: missense variant. On other transcripts: intron variant (1).
Genome position (GRCh38, 1-based): chr2:219,418,968, T>A. VCF-style: chr2-219418968-T-A. GRCh37 (hg19) VCF-style: chr2-220283690-T-A.
Other names: c.506T>A, p.Leu169His (NM_001382708.1, NM_001382709.1, NM_001382710.1 and 2 more transcripts); c.495+11T>A (NM_001382713.1); short protein forms L169H.
Identifiers: ClinVar variation 4783733 (VCV004783733.1).

ClinVar aggregate classification (germline): Uncertain significance (1 of 4 stars; one submission).

Conditions:
Desmin-related myofibrillar myopathy (MFM1). Also called: Desminopathy; Desmin related myopathy (former name); Desmin storage myopathy (former name); MYOFIBRILLAR MYOPATHY WITH ARRHYTHMOGENIC RIGHT VENTRICULAR CARDIOMYOPATHY; DESMIN-RELATED MYOPATHY WITH ARRHYTHMOGENIC RIGHT VENTRICULAR CARDIOMYOPATHY; Myofibrillar myopathy 1. Identifiers: Orphanet 363543, Orphanet 98909, MedGen C1832370, MONDO:0011076, OMIM 601419.

Submission:

Labcorp Genetics (formerly Invitae), Labcorp
Classification: Uncertain significance for Desmin-related myofibrillar myopathy. Last evaluated: 2025-12-24. Review status: criteria provided, single submitter. Criteria: Invitae Variant Classification Sherloc (09022015). Collection method: clinical testing. Allele origin: germline.
Comment: This sequence change replaces leucine, which is neutral and non-polar, with histidine, which is basic and polar, at codon 169 of the DES protein (p.Leu169His). This variant is not present in population databases (gnomAD no frequency). This variant has not been reported in the literature in individuals affected with DES-related conditions. Invitae Evidence Modeling of protein sequence and biophysical properties (such as structural, functional, and spatial information, amino acid conservation, physicochemical variation, residue mobility, and thermodynamic stability) has been performed for this missense variant. However, the output from this modeling did not meet the statistical confidence thresholds required to predict the impact of this variant on DES protein function. In summary, the available evidence is currently insufficient to determine the role of this variant in disease. Therefore, it has been classified as a Variant of Uncertain Significance.